The following is an entry in ClinVar:

NM_000321.3(RB1):c.934C>G (p.Pro312Ala)

Gene: RB1 (RB transcriptional corepressor 1; plus strand). Cytogenetic location: 13q14.2.
Variant type: single nucleotide variant.
Coding change: c.934C>G on transcript NM_000321.3 (MANE Select); coding-DNA position 934, C replaced by G.
Protein change: p.Pro312Ala; replaces proline 312 with alanine.
Molecular consequence: missense variant.
Genome position (GRCh38, 1-based): chr13:48,364,966, C>G. VCF-style: chr13-48364966-C-G. GRCh37 (hg19) VCF-style: chr13-48939102-C-G.
Other names: c.934C>G, p.Pro312Ala (NM_001407165.1, NM_001407166.1); short protein forms P312A.
Identifiers: ClinVar variation 3719726 (VCV003719726.3).

ClinVar aggregate classification (germline): Uncertain significance. Review status: criteria provided, multiple submitters, no conflicts (2 of 4 stars). 2 submissions from 2 submitters: Uncertain significance (2). Last evaluated 2026-05-01.

Conditions:
Hereditary cancer-predisposing syndrome. Also called: Hereditary Cancer Syndrome; Hereditary neoplastic syndrome; Neoplastic Syndromes, Hereditary; Tumor predisposition. Identifiers: Orphanet 140162, MedGen C0027672, MeSH D009386, MONDO:0015356.
Retinoblastoma (RB1). Also called: RETINOBLASTOMA, SOMATIC. Identifiers: Orphanet 790, MedGen C0035335, MeSH D012175, MONDO:0008380, OMIM 180200, HP:0009919. Disease mechanism: loss of function. Inheritance: Both sporadic and heritable forms are tested..

gnomAD v4.1: 1 of 1,569,468 alleles (0.000064%); highest among the groups gnomAD compares: Non-Finnish European, 0.000087%; no homozygotes.

Submissions (2):

Ambry Genetics
Classification: Uncertain significance for Hereditary cancer-predisposing syndrome. Last evaluated: 2026-05-01. Review status: criteria provided, single submitter. Criteria: Ambry Variant Classification Scheme 2023. Collection method: clinical testing. Allele origin: germline.
Comment: The p.P312A variant (also known as c.934C>G), located in coding exon 9 of the RB1 gene, results from a C to G substitution at nucleotide position 934. The proline at codon 312 is replaced by alanine, an amino acid with highly similar properties. This amino acid position is conserved. In addition, the in silico prediction for this alteration is inconclusive. Based on the available evidence, the clinical significance of this variant remains unclear.

Labcorp Genetics (formerly Invitae), Labcorp
Classification: Uncertain significance for Retinoblastoma. Last evaluated: 2024-02-19. Review status: criteria provided, single submitter. Criteria: Invitae Variant Classification Sherloc (09022015). Collection method: clinical testing. Allele origin: germline.
Comment: This sequence change replaces proline, which is neutral and non-polar, with alanine, which is neutral and non-polar, at codon 312 of the RB1 protein (p.Pro312Ala). This variant is not present in population databases (gnomAD no frequency). This variant has not been reported in the literature in individuals affected with RB1-related conditions. Advanced modeling of protein sequence and biophysical properties (such as structural, functional, and spatial information, amino acid conservation, physicochemical variation, residue mobility, and thermodynamic stability) performed at Invitae indicates that this missense variant is not expected to disrupt RB1 protein function with a negative predictive value of 80%. In summary, the available evidence is currently insufficient to determine the role of this variant in disease. Therefore, it has been classified as a Variant of Uncertain Significance.